The following is an entry in ClinVar:

NC_000014.8:g.(?_45618020)_(45669211_?)del

Gene: FANCM (FA complementation group M; plus strand). Cytogenetic location: 14q21.2.
Variant type: Deletion.
Identifiers: ClinVar variation 2426633 (VCV002426633.4).

ClinVar aggregate classification (germline): Likely pathogenic (1 of 4 stars; one submission).

Conditions:
Fanconi anemia (FA). Also called: Fanconi's anemia. Identifiers: Orphanet 84, MedGen C0015625, MeSH D005199, MONDO:0019391.

Submission:

Labcorp Genetics (formerly Invitae), Labcorp
Classification: Likely pathogenic for Fanconi anemia. Last evaluated: 2022-07-19. Review status: criteria provided, single submitter. Criteria: Invitae Variant Classification Sherloc (09022015). Collection method: clinical testing. Allele origin: germline.
Comment: This variant disrupts the C-terminal ERCC4 nuclease domain and the helix-hairpin-helix (HhH) motifs of the FANCM protein, which are critical for the interaction between FANCM and FAAP24, chromatin localization of the FANCM/FAAP24 complex and the activation of the FA core complex (PMID: 17289582, 23932590, 18174376, 19379763, 24003026). While functional studies have not been performed to directly test the effect of this variant on FANCM protein function, this suggests that disruption of this region of the protein may be causative of disease. This variant has not been reported in the literature in individuals affected with FANCM-related conditions. This variant is a gross deletion of the genomic region encompassing exon(s) 4-23 of the FANCM gene, which includes the termination codon. This deletion extends beyond the assayed region for this gene and therefore may encompass additional genes. While this deletion is not anticipated to lead to nonsense mediated decay, it is expected to alter mRNA translation or result in a truncated protein product. In summary, the currently available evidence indicates that the variant is pathogenic, but additional data are needed to prove that conclusively. Therefore, this variant has been classified as Likely Pathogenic.

Literature cited by the submitters: PubMed 17289582; PubMed 23932590; PubMed 18174376; PubMed 19379763; PubMed 24003026.